The following is an entry in ClinVar:

ClinVar aggregate classification (germline): Conflicting classifications of pathogenicity. Review status: criteria provided, conflicting classifications (1 of 4 stars). 2 submissions from 2 submitters: Likely pathogenic (1); Uncertain significance (1). Last evaluated 2026-03-31.

Conditions:
Inborn genetic diseases. Identifiers: MedGen C0950123, MeSH D030342.

Submissions (2):

GeneDx
Classification: Likely pathogenic. Last evaluated: 2026-03-31. Review status: criteria provided, single submitter. Criteria: GeneDx Variant Classification Process June 2021. Collection method: clinical testing. Allele origin: germline.
Comment: Identified in a patient with demyelinating polyneuropathy in published literature (PMID: 37306961); In silico analysis supports that this missense variant has a deleterious effect on protein structure/function; Not observed at significant frequency in large population cohorts (gnomAD); This variant is associated with the following publications: (PMID: 37306961, 25429913, 12471219, 20513111, 16775366, 26204789)

Ambry Genetics
Classification: Uncertain significance for Inborn genetic diseases. Last evaluated: 2021-10-11. Review status: criteria provided, single submitter. Criteria: Ambry Variant Classification Scheme 2023. Collection method: clinical testing. Allele origin: germline.
Comment: The p.R381S variant (also known as c.1141C>A), located in coding exon 2 of the EGR2 gene, results from a C to A substitution at nucleotide position 1141. The arginine at codon 381 is replaced by serine, an amino acid with dissimilar properties. Another alteration at the same codon, p.R381H (c.1142G>A), has been described in individuals with autosomal dominant demyelinating neuropathies (Argente-Escrig H et al. Ann Clin Transl Neurol, 2021 Sep;8:1809-1816; Pareyson D et al. Neurology, 2000 Apr;54:1696-8; Vandenberghe N et al. J Med Genet, 2002 Dec;39:e81). This amino acid position is highly conserved in available vertebrate species. In addition, this alteration is predicted to be tolerated by in silico analysis. Since supporting evidence is limited at this time, the clinical significance of this alteration remains unclear.

Literature cited by the submitters: PubMed 10762521 (cited by Ambry Genetics); PubMed 12471219 (cited by Ambry Genetics); PubMed 34323022 (cited by Ambry Genetics).

NM_000399.5(EGR2):c.1141C>A (p.Arg381Ser)

Gene: EGR2 (early growth response 2; minus strand). Cytogenetic location: 10q21.3.
Variant type: single nucleotide variant.
Coding change: c.1141C>A on transcript NM_000399.5 (MANE Select); coding-DNA position 1141, C replaced by A.
Protein change: p.Arg381Ser; replaces arginine 381 with serine.
Molecular consequence: missense variant.
Genome position (GRCh38, 1-based): chr10:62,813,497, G>T on the plus strand (C>A on the coding strand, the complement: EGR2 is on the minus strand). VCF-style: chr10-62813497-G-T. GRCh37 (hg19) VCF-style: chr10-64573257-G-T.
Other names: c.1141C>A, p.Arg381Ser (NM_001136177.3, NM_001136178.2); c.991C>A, p.Arg331Ser (NM_001136179.3, NM_001321037.2); c.1180C>A, p.Arg394Ser (NM_001410931.1); short protein forms R331S, R381S, R394S.
Identifiers: ClinVar variation 1731429 (VCV001731429.3), dbSNP rs1589080524, ClinGen allele CA377027535.